The following is an entry in ClinVar:

NM_001291303.3(FAT4):c.11198T>C (p.Leu3733Pro)

Gene: FAT4 (FAT atypical cadherin 4; plus strand). Cytogenetic location: 4q28.1.
Variant type: single nucleotide variant.
Coding change: c.11198T>C on transcript NM_001291303.3 (MANE Select); coding-DNA position 11198, T replaced by C.
Protein change: p.Leu3733Pro; replaces leucine 3733 with proline.
Molecular consequence: missense variant.
Genome position (GRCh38, 1-based): chr4:125,452,208, T>C. VCF-style: chr4-125452208-T-C. GRCh37 (hg19) VCF-style: chr4-126373363-T-C.
Other names: c.11198T>C, p.Leu3733Pro (NM_001291285.3); c.11192T>C, p.Leu3731Pro (NM_024582.6); c.11192T>C (NM_024582.4, NM_024582.5); short protein forms L3733P, L3731P.
Identifiers: ClinVar variation 1477567 (VCV001477567.9), dbSNP rs145248395, ClinGen allele CA3073809.
Genomic context (GRCh38, chr4:125,452,208, plus strand): 5'-ACAGCATCTTACTTCGTCTCGGCGTACCAACAGTAAAGGACTTCTTGACCAACCACTATC[T>C]TCATTTTTTACGCATTGCCAGCTCACAGCTGACAGGCTTAGGGACTGCTGTGCAACTGTA-3'
Protein context (NP_001278232.1, residues 3723-3743): TVKDFLTNHY[Leu3733Pro]HFLRIASSQL

ClinVar aggregate classification (germline): Uncertain significance. Review status: criteria provided, multiple submitters, no conflicts (2 of 4 stars). 4 submissions from 4 submitters: Uncertain significance (4). Last evaluated 2025-08-16.

Conditions:
FAT4-related disorder. Also called: FAT4-related condition.
Hennekam lymphangiectasia-lymphedema syndrome 2 (HKLLS2). Identifiers: Orphanet 2136, MedGen C4014939, MONDO:0014454, OMIM 616006.
Van Maldergem syndrome 2 (VMLDS2). Identifiers: Orphanet 314679, MedGen C3809875, MONDO:0014242, OMIM 615546.

Allele frequency attached by ClinVar (database versions not stated): gnomAD exomes 0.00001 and 0.00004; ExAC 0.00005; gnomAD 0.00009 and 0.00010; 1000 Genomes Project 30x 0.00016; TOPMed 0.00016; 1000 Genomes Project 0.00020; ESP Exome Variant Server 0.00023.
gnomAD v4.1: 28 of 1,614,250 alleles (0.0017%); highest among the groups gnomAD compares: African/African-American, 0.033%; no homozygotes.

Submissions (4):

PreventionGenetics, part of Exact Sciences
Classification: Uncertain significance for FAT4-related condition. Last evaluated: 2025-08-16. Review status: criteria provided, single submitter. Criteria: ACMG Guidelines, 2015. Collection method: clinical testing. Allele origin: germline.
Comment: The FAT4 c.11192T>C variant is predicted to result in the amino acid substitution p.Leu3731Pro. To our knowledge, this variant has not been reported in the literature. This variant is reported in 0.048% of alleles in individuals of African descent in gnomAD. At this time, the clinical significance of this variant is uncertain due to the absence of conclusive functional and genetic evidence.

Labcorp Genetics (formerly Invitae), Labcorp
Classification: Uncertain significance. Last evaluated: 2024-12-09. Review status: criteria provided, single submitter. Criteria: Invitae Variant Classification Sherloc (09022015). Collection method: clinical testing. Allele origin: germline.
Comment: This sequence change replaces leucine, which is neutral and non-polar, with proline, which is neutral and non-polar, at codon 3731 of the FAT4 protein (p.Leu3731Pro). This variant is present in population databases (rs145248395, gnomAD 0.05%). This variant has not been reported in the literature in individuals affected with FAT4-related conditions. ClinVar contains an entry for this variant (Variation ID: 1477567). Invitae Evidence Modeling of protein sequence and biophysical properties (such as structural, functional, and spatial information, amino acid conservation, physicochemical variation, residue mobility, and thermodynamic stability) indicates that this missense variant is not expected to disrupt FAT4 protein function with a negative predictive value of 95%. In summary, the available evidence is currently insufficient to determine the role of this variant in disease. Therefore, it has been classified as a Variant of Uncertain Significance.

Fulgent Genetics
Classification: Uncertain significance for Van Maldergem syndrome 2; Hennekam lymphangiectasia-lymphedema syndrome 2. Last evaluated: 2024-04-12. Review status: criteria provided, single submitter. Criteria: ACMG Guidelines, 2015. Collection method: clinical testing. Allele origin: germline.

GeneDx
Classification: Uncertain significance. Last evaluated: 2022-09-01. Review status: criteria provided, single submitter. Criteria: GeneDx Variant Classification Process June 2021. Collection method: clinical testing. Allele origin: germline. Affected: yes.
Comment: In silico analysis supports that this missense variant does not alter protein structure/function; Has not been previously published as pathogenic or benign to our knowledge